The following is an entry in ClinVar:

NM_000153.4(GALC):c.640A>G (p.Asn214Asp)

Gene: GALC (galactosylceramidase; minus strand). Cytogenetic location: 14q31.3.
Variant type: single nucleotide variant.
Coding change: c.640A>G on transcript NM_000153.4 (MANE Select); coding-DNA position 640, A replaced by G.
Protein change: p.Asn214Asp; replaces asparagine 214 with aspartic acid.
Molecular consequence: missense variant. On other transcripts: non-coding transcript variant (1).
Genome position (GRCh38, 1-based): chr14:87,976,470, T>C on the plus strand (A>G on the coding strand, the complement: GALC is on the minus strand). VCF-style: chr14-87976470-T-C. GRCh37 (hg19) VCF-style: chr14-88442814-T-C.
Other names: c.472A>G, p.Asn158Asp (NM_001424073.1, NM_001424071.1, NM_001424072.1); c.292A>G, p.Asn98Asp (NM_001424074.1, NM_001424075.1); c.7A>G, p.Asn3Asp (NM_001424076.1, NM_001424077.1); c.571A>G, p.Asn191Asp (NM_001201401.2); c.562A>G, p.Asn188Asp (NM_001201402.2); short protein forms N214D, N158D, N98D, N188D, N191D, N3D.
Identifiers: ClinVar variation 4708597 (VCV004708597.1).

ClinVar aggregate classification (germline): Uncertain significance (1 of 4 stars; one submission).

Conditions:
Galactosylceramide beta-galactosidase deficiency. Also called: Leukodystrophy, Globoid Cell; Krabbe Disease; GALACTOCEREBROSIDASE DEFICIENCY; GALC DEFICIENCY; GLOBOID CELL LEUKOENCEPHALOPATHY. Identifiers: Orphanet 487, MedGen C0023521, MONDO:0009499, OMIM 245200.

gnomAD v4.1: 13 of 1,612,630 alleles (0.00081%); highest among the groups gnomAD compares: Non-Finnish European, 0.001%; no homozygotes.

Submission:

Labcorp Genetics (formerly Invitae), Labcorp
Classification: Uncertain significance for Galactosylceramide beta-galactosidase deficiency. Last evaluated: 2025-03-06. Review status: criteria provided, single submitter. Criteria: Invitae Variant Classification Sherloc (09022015). Collection method: clinical testing. Allele origin: germline.
Comment: This sequence change replaces asparagine, which is neutral and polar, with aspartic acid, which is acidic and polar, at codon 214 of the GALC protein (p.Asn214Asp). This variant is not present in population databases (gnomAD no frequency). This variant has not been reported in the literature in individuals affected with GALC-related conditions. Invitae Evidence Modeling of protein sequence and biophysical properties (such as structural, functional, and spatial information, amino acid conservation, physicochemical variation, residue mobility, and thermodynamic stability) indicates that this missense variant is not expected to disrupt GALC protein function with a negative predictive value of 95%. In summary, the available evidence is currently insufficient to determine the role of this variant in disease. Therefore, it has been classified as a Variant of Uncertain Significance.